The following is an entry in ClinVar:

ClinVar aggregate classification (germline): Uncertain significance. Review status: criteria provided, multiple submitters, no conflicts (2 of 4 stars). 2 submissions from 2 submitters: Uncertain significance (2). Last evaluated 2023-11-13.

Conditions:
Deficiency of alpha-mannosidase (MANSA). Also called: Alpha-Mannosidosis; Mannosidosis, alpha-, types I and II; LYSOSOMAL ALPHA-D-MANNOSIDASE DEFICIENCY. Identifiers: Orphanet 61, MedGen C0024748, MONDO:0009561, OMIM 248500.

Allele frequency attached by ClinVar (database versions not stated): gnomAD exomes below 0.00001 and 0.00001; TOPMed below 0.00001; gnomAD 0.00001.
gnomAD v4.1: 6 of 1,559,348 alleles (0.00038%); highest among the groups gnomAD compares: African/African-American, 0.0041%; no homozygotes.

Submissions (2):

Blueprint Genetics
Classification: Uncertain significance. Last evaluated: 2023-11-13. Review status: criteria provided, single submitter. Criteria: ACMG Guidelines, 2015. Collection method: clinical testing. Allele origin: germline.

Labcorp Genetics (formerly Invitae), Labcorp
Classification: Uncertain significance for Deficiency of alpha-mannosidase. Last evaluated: 2022-03-17. Review status: criteria provided, single submitter. Criteria: Invitae Variant Classification Sherloc (09022015). Collection method: clinical testing. Allele origin: germline.
Comment: This sequence change replaces glutamic acid, which is acidic and polar, with valine, which is neutral and non-polar, at codon 438 of the MAN2B1 protein (p.Glu438Val). This variant is present in population databases (no rsID available, gnomAD 0.01%). This variant has not been reported in the literature in individuals affected with MAN2B1-related conditions. Algorithms developed to predict the effect of missense changes on protein structure and function are either unavailable or do not agree on the potential impact of this missense change (SIFT: "Deleterious"; PolyPhen-2: "Benign"; Align-GVGD: "Class C0"). In summary, the available evidence is currently insufficient to determine the role of this variant in disease. Therefore, it has been classified as a Variant of Uncertain Significance.

NM_000528.4(MAN2B1):c.1313A>T (p.Glu438Val)

Gene: MAN2B1 (mannosidase alpha class 2B member 1; minus strand). Cytogenetic location: 19p13.13.
Variant type: single nucleotide variant.
Coding change: c.1313A>T on transcript NM_000528.4 (MANE Select); coding-DNA position 1313, A replaced by T.
Protein change: p.Glu438Val; replaces glutamic acid 438 with valine.
Molecular consequence: missense variant.
Genome position (GRCh38, 1-based): chr19:12,657,552, T>A on the plus strand (A>T on the coding strand, the complement: MAN2B1 is on the minus strand). VCF-style: chr19-12657552-T-A. GRCh37 (hg19) VCF-style: chr19-12768366-T-A.
Other names: c.1310A>T, p.Glu437Val (NM_001173498.2); short protein forms E437V, E438V.
Identifiers: ClinVar variation 1409222 (VCV001409222.6), dbSNP rs867708818, ClinGen allele CA305470827.
Genomic context (GRCh38, chr19:12,657,552, plus strand): 5'-GCCACGTGCTGGCGGGAGGTGCCGCTGACGGCGTCGTGATGCTGGAGCACAGCCATCGCC[T>A]CATCTGCTCATAGACAATGAGTCCGGTGAGGTTCTGTGGGACTCAGCTGAGACCCCAAGG-3'
Protein context (NP_000519.2, residues 428-448): YGSGDSAPLN[Glu438Val]AMAVLQHHDA